The following is an entry in ClinVar:

ClinVar aggregate classification (germline): Likely pathogenic (1 of 4 stars; one submission).

Submission:

GeneDx
Classification: Likely pathogenic. Last evaluated: 2025-02-28. Review status: criteria provided, single submitter. Criteria: GeneDx Variant Classification Process June 2021. Collection method: clinical testing. Allele origin: germline. Affected: yes.
Comment: Canonical splice site variant predicted to result in an in-frame loss of the adjacent exon in a gene for which loss of function is a known mechanism of disease; Not observed at significant frequency in large population cohorts (gnomAD); Has not been previously published as pathogenic or benign to our knowledge

NM_022124.6(CDH23):c.9634-2A>G

Gene: CDH23 (cadherin related 23; plus strand). Cytogenetic location: 10q22.1.
Variant type: single nucleotide variant.
Coding change: c.9634-2A>G on transcript NM_022124.6 (MANE Select); the canonical splice acceptor site of the intron before coding-DNA position 9634, A replaced by G.
Molecular consequence: splice acceptor variant. On other transcripts: intron variant (2).
Genome position (GRCh38, 1-based): chr10:71,813,242, A>G. VCF-style: chr10-71813242-A-G. GRCh37 (hg19) VCF-style: chr10-73572999-A-G.
Other names: c.2914-2A>G (NM_001171933.1); c.2913+352A>G (NM_001171934.1); c.325-2A>G (NM_001171935.1); c.324+352A>G (NM_001171936.1).
Identifiers: ClinVar variation 4077210 (VCV004077210.1).
Genomic context (GRCh38, chr10:71,813,242, plus strand): 5'-GGGCGAGGGGCGGGGCAGGCAGGGGAGGGCCTTGGTGGGGGTTAACCCTTTCCCTCCCCC[A>G]GGGCTCGCTGCTGAAGGTGGTCCTGGAGGATTACCTGCGGCTCAAAAAGCTCTTTGCACA-3'